The following is an entry in ClinVar:

ClinVar aggregate classification (germline): Uncertain significance. Review status: criteria provided, multiple submitters, no conflicts (2 of 4 stars). 2 submissions from 2 submitters: Uncertain significance (2). Last evaluated 2026-07-19.

Conditions:
Cardiovascular phenotype. Identifiers: MedGen CN230736.
Noonan syndrome 9 (NS9). Identifiers: Orphanet 648, MedGen C4225282, MONDO:0014691, OMIM 616559.

Allele frequency attached by ClinVar (database versions not stated): gnomAD exomes below 0.00001; TOPMed below 0.00001; gnomAD 0.00001.
gnomAD v4.1: 5 of 1,613,692 alleles (0.00031%); highest among the groups gnomAD compares: Non-Finnish European, 0.00042%; no homozygotes.

Submissions (2):

Ambry Genetics
Classification: Uncertain significance for Cardiovascular phenotype. Last evaluated: 2026-07-19. Review status: criteria provided, single submitter. Criteria: Ambry Variant Classification Scheme 2023. Collection method: clinical testing. Allele origin: germline.
Comment: The p.P1207S variant (also known as c.3619C>T), located in coding exon 23 of the SOS2 gene, results from a C to T substitution at nucleotide position 3619. The proline at codon 1207 is replaced by serine, an amino acid with similar properties. This amino acid position is conserved. In addition, the in silico prediction for this alteration is inconclusive. Based on the available evidence, the clinical significance of this variant remains unclear.

Labcorp Genetics (formerly Invitae), Labcorp
Classification: Uncertain significance for Noonan syndrome 9. Last evaluated: 2022-07-06. Review status: criteria provided, single submitter. Criteria: Invitae Variant Classification Sherloc (09022015). Collection method: clinical testing. Allele origin: germline.
Comment: In summary, the available evidence is currently insufficient to determine the role of this variant in disease. Therefore, it has been classified as a Variant of Uncertain Significance. Advanced modeling of protein sequence and biophysical properties (such as structural, functional, and spatial information, amino acid conservation, physicochemical variation, residue mobility, and thermodynamic stability) performed at Invitae indicates that this missense variant is not expected to disrupt SOS2 protein function. ClinVar contains an entry for this variant (Variation ID: 1460947). This variant has not been reported in the literature in individuals affected with SOS2-related conditions. This variant is not present in population databases (gnomAD no frequency). This sequence change replaces proline, which is neutral and non-polar, with serine, which is neutral and polar, at codon 1207 of the SOS2 protein (p.Pro1207Ser).

NM_006939.4(SOS2):c.3619C>T (p.Pro1207Ser)

Gene: SOS2 (SOS Ras/Rho guanine nucleotide exchange factor 2; minus strand). Cytogenetic location: 14q21.3.
Variant type: single nucleotide variant.
Coding change: c.3619C>T on transcript NM_006939.4 (MANE Select); coding-DNA position 3619, C replaced by T.
Protein change: p.Pro1207Ser; replaces proline 1207 with serine.
Molecular consequence: missense variant.
Genome position (GRCh38, 1-based): chr14:50,118,724, G>A on the plus strand (C>T on the coding strand, the complement: SOS2 is on the minus strand). VCF-style: chr14-50118724-G-A. GRCh37 (hg19) VCF-style: chr14-50585442-G-A.
Other names: c.3619C>T (NM_006939.2); short protein forms P1207S.
Identifiers: ClinVar variation 1460947 (VCV001460947.9), dbSNP rs1883398374, ClinGen allele CA389638532.